The following is an entry in ClinVar:

NM_033305.3(VPS13A):c.187+1dup

Gene: VPS13A (vacuolar protein sorting 13 homolog A; plus strand). Cytogenetic location: 9q21.2.
Variant type: Duplication.
Coding change: c.187+1dup on transcript NM_033305.3 (MANE Select); the canonical splice donor site of the intron after coding-DNA position 187, one base duplicated (G; older notation c.187+1dupG).
Molecular consequence: splice donor variant.
Genome position (GRCh38, 1-based): chr9:77,201,408, G duplicated; the last of 2 consecutive G bases (chr9:77,201,407-77,201,408); duplicating either gives the same sequence. VCF-style (leftmost placement, unchanged base first): chr9-77201406-A-AG. GRCh37 (hg19) VCF-style: chr9-79816322-A-AG.
Other names: c.187+1dup (NM_001018037.2, NM_015186.4, NM_001018038.3); c.187+1dupG (NM_033305.2).
Identifiers: ClinVar variation 2998334 (VCV002998334.4), dbSNP rs2537521833, ClinGen allele CA2690365867.

ClinVar aggregate classification (germline): Pathogenic/Likely pathogenic. Review status: criteria provided, multiple submitters, no conflicts (2 of 4 stars). 2 submissions from 2 submitters: Pathogenic (1); Likely pathogenic (1). Last evaluated 2025-07-22.

Conditions:
VPS13A-related neurodegenerative disease. Also called: ACANTHOCYTOSIS WITH NEUROLOGIC DISORDER; LEVINE-CRITCHLEY SYNDROME; Choreoacanthocytosis; Chorea-acanthocytosis; Choreaacanthocytosis; VPS13A Disease. Identifiers: Orphanet 2388, MedGen C0393576, MONDO:0008695, OMIM 200150.

Submissions (2):

Natera, Inc.
Classification: Likely pathogenic for Choreaacanthocytosis. Last evaluated: 2025-07-22. Review status: criteria provided, single submitter. Criteria: Natera Variant Classification Schema (03/2026). Collection method: clinical testing. Allele origin: germline.
Comment: The c.187+1dupG variant in VPS13A is a canonical splice donor site variant predicted to affect pre-mRNA splicing, which may result in an abnormal transcript and altered protein product. This variant is expected to result in nonsense mediated decay, truncation, or a dysfunctional protein product. This variant is rare in the general population with a frequency below the threshold expected for the associated phenotype(s). Given the available evidence, this variant is classified as Likely Pathogenic.

Labcorp Genetics (formerly Invitae), Labcorp
Classification: Pathogenic. Last evaluated: 2023-05-01. Review status: criteria provided, single submitter. Criteria: Invitae Variant Classification Sherloc (09022015). Collection method: clinical testing. Allele origin: germline.
Comment: For these reasons, this variant has been classified as Pathogenic. Algorithms developed to predict the effect of sequence changes on RNA splicing suggest that this variant may disrupt the consensus splice site. This variant is also known as c.187+1dup. This variant has not been reported in the literature in individuals affected with VPS13A-related conditions. This variant is not present in population databases (gnomAD no frequency). This sequence change creates a premature translational stop signal (Splice site) in the VPS13A gene. It is expected to result in an absent or disrupted protein product. Loss-of-function variants in VPS13A are known to be pathogenic (PMID: 12404112, 21598378).

Literature cited by the submitters: PubMed 12404112 (cited by Labcorp Genetics (formerly Invitae), Labcorp); PubMed 21598378 (cited by Labcorp Genetics (formerly Invitae), Labcorp).